The following is an entry in ClinVar:

NM_001267550.2(TTN):c.80382G>T (p.Gln26794His)

Genes: TTN (titin; minus strand), TTN-AS1 (TTN antisense RNA 1; plus strand). Cytogenetic location: 2q31.2.
Variant type: single nucleotide variant.
Coding change: c.80382G>T on transcript NM_001267550.2 (MANE Select); coding-DNA position 80382, G replaced by T.
Protein change: p.Gln26794His; replaces glutamine 26794 with histidine.
Molecular consequence: missense variant.
Genome position (GRCh38, 1-based): chr2:178,565,750, C>A on the plus strand (G>T on the coding strand, the complement: TTN is on the minus strand). VCF-style: chr2-178565750-C-A. GRCh37 (hg19) VCF-style: chr2-179430477-C-A.
Other names: c.75459G>T, p.Gln25153His (NM_001256850.1); c.53187G>T, p.Gln17729His (NM_003319.4); c.72678G>T, p.Gln24226His (NM_133378.4); c.53562G>T, p.Gln17854His (NM_133432.3); c.53763G>T, p.Gln17921His (NM_133437.4); short protein forms Q24226H, Q17729H, Q26794H, Q17854H, Q17921H, Q25153H.
Identifiers: ClinVar variation 681608 (VCV000681608.1), dbSNP rs1575675339, ClinGen allele CA349589086.

ClinVar aggregate classification (germline): Likely benign (1 of 4 stars; one submission).

Submission:

GeneDx
Classification: Likely benign. Last evaluated: 2018-04-12. Review status: criteria provided, single submitter. Criteria: GeneDx Variant Classification (06012015). Collection method: clinical testing. Allele origin: germline. Affected: yes.
Comment: This variant is considered likely benign or benign based on one or more of the following criteria: it is a conservative change, it occurs at a poorly conserved position in the protein, it is predicted to be benign by multiple in silico algorithms, and/or has population frequency not consistent with disease.